The following is an entry in ClinVar:

NM_030777.4(SLC2A10):c.430A>T (p.Thr144Ser)

Gene: SLC2A10 (solute carrier family 2 member 10; plus strand). Cytogenetic location: 20q13.12.
Variant type: single nucleotide variant.
Coding change: c.430A>T on transcript NM_030777.4 (MANE Select); coding-DNA position 430, A replaced by T.
Protein change: p.Thr144Ser; replaces threonine 144 with serine.
Molecular consequence: missense variant.
Genome position (GRCh38, 1-based): chr20:46,725,466, A>T. VCF-style: chr20-46725466-A-T. GRCh37 (hg19) VCF-style: chr20-45354105-A-T.
Other names: p.T144S:ACC>TCC; short protein forms T144S.
Identifiers: ClinVar variation 213746 (VCV000213746.6), dbSNP rs748746893, ClinGen allele CA321682.

ClinVar aggregate classification (germline): Uncertain significance. Review status: criteria provided, multiple submitters, no conflicts (2 of 4 stars). 2 submissions from 2 submitters: Uncertain significance (2). Last evaluated 2026-01-25.

Conditions:
Familial thoracic aortic aneurysm and aortic dissection (TAAD). Also called: Thoracic aortic aneurysms and dissections. Identifiers: Orphanet 91387, MedGen C4707243, MONDO:0019625.

Allele frequency attached by ClinVar (database versions not stated): gnomAD exomes below 0.00001; ExAC 0.00001.
gnomAD v4.1: 1 of 1,614,098 alleles (0.000062%); highest among the groups gnomAD compares: Admixed American, 0.0017%; no homozygotes.

Submissions (2):

GeneDx
Classification: Uncertain significance. Last evaluated: 2026-01-25. Review status: criteria provided, single submitter. Criteria: GeneDx Variant Classification Process June 2021. Collection method: clinical testing. Allele origin: germline. Affected: yes.
Comment: Not observed at significant frequency in large population cohorts (gnomAD); In silico analysis supports that this missense variant has a deleterious effect on protein structure/function; Has not been previously published as pathogenic or benign to our knowledge

Ambry Genetics
Classification: Uncertain significance for Familial thoracic aortic aneurysm and aortic dissection. Last evaluated: 2018-01-15. Review status: criteria provided, single submitter. Criteria: Ambry Variant Classification Scheme 2023. Collection method: clinical testing. Allele origin: germline.
Comment: The p.T144S variant (also known as c.430A>T), located in coding exon 2 of the SLC2A10 gene, results from an A to T substitution at nucleotide position 430. The threonine at codon 144 is replaced by serine, an amino acid with similar properties. This amino acid position is highly conserved in available vertebrate species. In addition, the in silico prediction for this alteration is inconclusive. Since supporting evidence is limited at this time, the clinical significance of this alteration remains unclear.